The following is an entry in ClinVar:

ClinVar aggregate classification (germline): Uncertain significance (1 of 4 stars; one submission).

Conditions:
Inborn genetic diseases. Identifiers: MedGen C0950123, MeSH D030342.

Allele frequency attached by ClinVar (database versions not stated): gnomAD exomes 0.00001; TOPMed 0.00001; ExAC 0.00002; gnomAD 0.00002; 1000 Genomes Project 30x 0.00016; 1000 Genomes Project 0.00020.

Submission:

Ambry Genetics
Classification: Uncertain significance for Inborn genetic diseases. Last evaluated: 2017-10-27. Review status: criteria provided, single submitter. Criteria: Ambry Variant Classification Scheme 2023. Collection method: clinical testing. Allele origin: germline.
Comment: The p.R298W variant (also known as c.892C>T), located in coding exon 3 of the TRAPPC9 gene, results from a C to T substitution at nucleotide position 892. The arginine at codon 298 is replaced by tryptophan, an amino acid with dissimilar properties. This amino acid position is highly conserved in available vertebrate species. In addition, this alteration is predicted to be deleterious by in silico analysis. Since supporting evidence is limited at this time, the clinical significance of this alteration remains unclear.

NM_001160372.4(TRAPPC9):c.598C>T (p.Arg200Trp)

Gene: TRAPPC9 (trafficking protein particle complex subunit 9; minus strand). Cytogenetic location: 8q24.3.
Variant type: single nucleotide variant.
Coding change: c.598C>T on transcript NM_001160372.4 (MANE Select); coding-DNA position 598, C replaced by T.
Protein change: p.Arg200Trp; replaces arginine 200 with tryptophan.
Molecular consequence: missense variant. On other transcripts: non-coding transcript variant (1).
Genome position (GRCh38, 1-based): chr8:140,439,184, G>A on the plus strand (C>T on the coding strand, the complement: TRAPPC9 is on the minus strand). VCF-style: chr8-140439184-G-A. GRCh37 (hg19) VCF-style: chr8-141449283-G-A.
Other names: c.598C>T, p.Arg200Trp (NM_001321646.2, NM_001374683.1, NM_001374684.1 and 1 more transcripts); c.619C>T, p.Arg207Trp (NM_001374682.1); short protein forms R207W, R200W.
Identifiers: ClinVar variation 1765147 (VCV001765147.2), dbSNP rs189290923, ClinGen allele CA4893682.
Genomic context (GRCh38, chr8:140,439,184, plus strand): 5'-GCAGCATCCCTGCCTGCAGGCACAGGTCCCCCACGTGCTTCCGCATGCGGCCTTGGCACC[G>A]CTTCTTGTAATGTCTAGAAAATACATGAAAATGTATCTTTATTACTATACAACTCCCACC-3'
Protein context (NP_001153844.1, residues 190-210): LDTDSRHYKK[Arg200Trp]CQGRMRKHVG